The following is an entry in ClinVar:

NM_001136193.2(FASTKD2):c.1538del (p.Leu513fs)

Gene: FASTKD2 (FAST kinase domains 2; plus strand). Cytogenetic location: 2q33.3.
Variant type: Deletion.
Coding change: c.1538del on transcript NM_001136193.2 (MANE Select); coding-DNA position 1538, one base deleted (T; older notation c.1538delT).
Protein change: p.Leu513fs; shifts the reading frame from leucine 513.
Molecular consequence: frameshift variant.
Genome position (GRCh38, 1-based): chr2:206,786,843, T deleted. VCF-style (leftmost placement, unchanged base first): chr2-206786842-CT-C. GRCh37 (hg19) VCF-style: chr2-207651566-CT-C.
Other names: c.1538del, p.Leu513fs (NM_001136194.2, NM_014929.4); short protein forms L513fs.
Identifiers: ClinVar variation 1333391 (VCV001333391.1), dbSNP rs1690150292, ClinGen allele CA1323333312.
Genomic context (GRCh38, chr2:206,786,842, plus strand): 5'-ATTTCTTCTGAAAACTTATTGGATGCAGTATATTCATTTTGCTTGATGAATTACTTTCCC[CT>C]GGCTCCTTTTAATCAGCTTCTGCAAAAAGACATCATCAGTGAGCTGCTGACATCAGGTAG-3'

ClinVar aggregate classification (germline): Likely pathogenic (1 of 4 stars; one submission).

Conditions:
Combined oxidative phosphorylation deficiency 44. Also called: FASTKD2-Related Combined Oxidative Phosphorylation Deficiency. Identifiers: MedGen C5394293, MONDO:0030020, OMIM 618855.

Submission:

3billion
Classification: Likely pathogenic for Combined oxidative phosphorylation deficiency 44. Last evaluated: 2022-01-03. Review status: criteria provided, single submitter. Criteria: ACMG Guidelines, 2015. Collection method: clinical testing. Allele origin: germline. Affected: yes. Observed: 1 homozygote.
Comment: Frameshift: predicted to result in a loss or disruption of normal protein function through nonsense-mediated decay (NMD) or protein truncation. Multiple pathogenic variants are reported downstream of the variant (PVS1_VS). It is not observed in the gnomAD v2.1.1 dataset (PM2_M). Therefore, this variant is classified as likely pathogenic according to the recommendation of ACMG/AMP guideline.